The following is an entry in ClinVar:

ClinVar aggregate classification (germline): Likely benign (1 of 4 stars; one submission).

Allele frequency attached by ClinVar (database versions not stated): gnomAD 0.00001.

Submission:

CeGaT Center for Human Genetics Tuebingen
Classification: Likely benign. Last evaluated: 2023-01-01. Review status: criteria provided, single submitter. Criteria: CeGaT Center For Human Genetics Tuebingen Variant Classification Criteria Version 2. Collection method: clinical testing. Allele origin: germline. Affected: yes. Observed: 1 variant allele.
Comment: DAPL1: BP4, BP7

NM_001017920.3(DAPL1):c.207+625C>T

Gene: DAPL1 (death associated protein like 1; plus strand). Cytogenetic location: 2q24.1.
Variant type: single nucleotide variant.
Coding change: c.207+625C>T on transcript NM_001017920.3 (MANE Select); 625 bases into the intron after coding-DNA position 207, C replaced by T.
Molecular consequence: intron variant.
Genome position (GRCh38, 1-based): chr2:158,807,740, C>T. VCF-style: chr2-158807740-C-T. GRCh37 (hg19) VCF-style: chr2-159664252-C-T.
Identifiers: ClinVar variation 2651447 (VCV002651447.24), dbSNP rs971732310, ClinGen allele CA59381796.